The following is an entry in ClinVar:

ClinVar aggregate classification (germline): Uncertain significance (1 of 4 stars; one submission).

Conditions:
Hereditary cancer-predisposing syndrome. Also called: Neoplastic Syndromes, Hereditary; Tumor predisposition; Hereditary Cancer Syndrome; Hereditary neoplastic syndrome. Identifiers: Orphanet 140162, MedGen C0027672, MeSH D009386, MONDO:0015356.

Submission:

Ambry Genetics
Classification: Uncertain significance for Hereditary cancer-predisposing syndrome. Last evaluated: 2026-03-02. Review status: criteria provided, single submitter. Criteria: Ambry Variant Classification Scheme 2023. Collection method: clinical testing. Allele origin: germline.
Comment: The c.2948_2950delCAG variant (also known as p.A983del) is located in coding exon 20 of the TSC1 gene. This variant results from an in-frame CAG deletion at nucleotide positions 2948 to 2950. This results in the in-frame deletion of an alanine at codon 983. This amino acid position is poorly conserved in available vertebrate species. In addition, this variant is predicted to be neutral by in silico analysis (Choi Y et al. PLoS ONE. 2012; 7(10):e46688). Based on the available evidence, the clinical significance of this variant remains unclear.

NM_000368.5(TSC1):c.2948_2950del (p.Ala983del)

Gene: TSC1 (TSC complex subunit 1; minus strand). Cytogenetic location: 9q34.13.
Variant type: Deletion.
Coding change: c.2948_2950del on transcript NM_000368.5 (MANE Select); coding-DNA positions 2948 to 2950, 3 bases deleted (CAG; older notation c.2948_2950delCAG).
Protein change: p.Ala983del; deletes alanine 983.
Molecular consequence: non-coding transcript variant (on NR_176214.1). On other transcripts: inframe indel (1).
Genome position (GRCh38, 1-based): chr9:132,897,209-132,897,211, CTG deleted on the plus strand (CAG on the coding strand, the reverse complement: TSC1 is on the minus strand); deleting any 3 consecutive bases within chr9:132,897,209-132,897,213 gives the same sequence; the c. name uses the placement nearest the transcript's 3' end. VCF-style (leftmost placement, unchanged base first): chr9-132897208-TCTG-T. GRCh37 (hg19) VCF-style: chr9-135772595-TCTG-T.
Other names: c.2945_2947del, p.Ala982del (NM_001162426.2, NM_001406597.1, NM_001406598.1 and 2 more transcripts); c.2795_2797del, p.Ala932del (NM_001162427.2, NM_001406610.1); c.2585_2587del, p.Ala862del (NM_001362177.2, NM_001406614.1, NM_001406615.1 and 4 more transcripts); c.2948_2950del, p.Ala983del (NM_001406592.1, NM_001406593.1, NM_001406594.1 and 2 more transcripts); c.2933_2935del, p.Ala978del (NM_001406601.1, NM_001406602.1); c.2906_2908del, p.Ala969del (NM_001406606.1, NM_001406607.1, NM_001406605.1); c.2930_2932del, p.Ala977del (NM_001406603.1, NM_001406604.1); c.2903_2905del, p.Ala968del (NM_001406608.1, NM_001406609.1); and 9 more; short protein forms A969del, A977del, A982del, A847del, A848del, A862del, A932del, A978del.
Identifiers: ClinVar variation 4844233 (VCV004844233.1).